The following is an entry in ClinVar:

NM_144573.4(NEXN):c.1065T>C (p.Asp355=)

Gene: NEXN (nexilin F-actin binding protein; plus strand). Cytogenetic location: 1p31.1.
Variant type: single nucleotide variant.
Coding change: c.1065T>C on transcript NM_144573.4 (MANE Select); coding-DNA position 1065, T replaced by C.
Protein change: p.Asp355=; no amino-acid change (aspartic acid 355 retained).
Molecular consequence: synonymous variant.
Genome position (GRCh38, 1-based): chr1:77,933,293, T>C. VCF-style: chr1-77933293-T-C. GRCh37 (hg19) VCF-style: chr1-78398978-T-C.
Other names: c.873T>C, p.Asp291= (NM_001172309.2).
Identifiers: ClinVar variation 164790 (VCV000164790.19), dbSNP rs369897647, ClinGen allele CA177488.
Genomic context (GRCh38, chr1:77,933,293, plus strand): 5'-TTAGTATGTGTAATTCTGGCCAGAGTGATAAAATAATTATTTTAAATAGGTAGTAGATGA[T>C]GACTCCCCAGAGATGTATAAGACAATCTCTCAAGAATTTCTTACACCGGGAAAACTGGAA-3'
Protein context (NP_653174.3, residues 345-365): AEARRNMVVD[Asp355=]DSPEMYKTIS

ClinVar aggregate classification (germline): Benign/Likely benign. Review status: criteria provided, multiple submitters, no conflicts (2 of 4 stars). 8 submissions from 8 submitters: Benign (3); Likely benign (5). Last evaluated 2026-06-18.

Conditions:
Cardiovascular phenotype. Identifiers: MedGen CN230736.
NEXN-related disorder. Also called: NEXN-related condition; NEXN-related disorders.
Dilated cardiomyopathy 1CC (CMD1CC). Identifiers: Orphanet 154, MedGen C2751084, MONDO:0013147, OMIM 613122.
Hypertrophic cardiomyopathy 20. Identifiers: MedGen C3151267, MONDO:0013477, OMIM 613876.
Cardiomyopathy (CMYO). Also called: Cardiomyopathies. Identifiers: Orphanet 167848, MedGen C0878544, MONDO:0004994, HP:0001638. Inheritance: Various modes of inheritance.

Allele frequency attached by ClinVar (database versions not stated): gnomAD 0.00004 and 0.00007; TOPMed 0.00005; ESP Exome Variant Server 0.00009; 1000 Genomes Project 30x 0.00016; gnomAD exomes 0.00016 and 0.00032; 1000 Genomes Project 0.00020; ExAC 0.00038.
gnomAD v4.1: 242 of 1,590,534 alleles (0.015%); highest among the groups gnomAD compares: South Asian, 0.14%; 2 homozygotes.

Submissions (8):

PreventionGenetics, part of Exact Sciences
Classification: Likely benign for NEXN-related condition. Last evaluated: 2026-06-18. Review status: criteria provided, single submitter. Criteria: ACMG Guidelines, 2015. Collection method: clinical testing. Allele origin: germline.
Comment: This variant is classified as likely benign based on ACMG/AMP sequence variant interpretation guidelines (Richards et al. 2015 PMID: 25741868, with internal and published modifications).

Molecular Diagnostic Laboratory for Inherited Cardiovascular Disease, Montreal Heart Institute
Classification: Likely benign. Last evaluated: 2026-03-27. Review status: criteria provided, single submitter. Criteria: ACMG Guidelines, 2015. Collection method: clinical testing. Allele origin: germline. Affected: no.
Comment: BS1;BP7

Labcorp Genetics (formerly Invitae), Labcorp
Classification: Benign for Dilated cardiomyopathy 1CC; Hypertrophic cardiomyopathy 20. Last evaluated: 2026-01-21. Review status: criteria provided, single submitter. Criteria: Invitae Variant Classification Sherloc (09022015). Collection method: clinical testing. Allele origin: germline.

Blueprint Genetics
Classification: Likely benign. Last evaluated: 2024-10-07. Review status: criteria provided, single submitter. Criteria: ACMG Guidelines, 2015. Collection method: clinical testing. Allele origin: germline.

Women's Health and Genetics/Laboratory Corporation of America, LabCorp
Classification: Benign. Last evaluated: 2023-11-27. Review status: criteria provided, single submitter. Criteria: LabCorp Variant Classification Summary - May 2015. Collection method: clinical testing. Allele origin: germline.

Ambry Genetics
Classification: Likely benign for Cardiovascular phenotype. Last evaluated: 2019-05-20. Review status: criteria provided, single submitter. Criteria: Ambry Variant Classification Scheme 2023. Collection method: clinical testing. Allele origin: germline.

CHEO Genetics Diagnostic Laboratory, Children's Hospital of Eastern Ontario
Classification: Benign for Cardiomyopathy. Last evaluated: 2018-08-21. Review status: criteria provided, single submitter. Criteria: ACMG Guidelines, 2015. Collection method: clinical testing. Allele origin: germline.

Laboratory for Molecular Medicine, Mass General Brigham Personalized Medicine
Classification: Likely benign. Last evaluated: 2013-05-01. Review status: criteria provided, single submitter. Criteria: LMM Criteria. Collection method: clinical testing. Allele origin: germline. Observed: 2 variant alleles.
Comment: Asp355Asp in exon 10 of NEXN: This variant is not expected to have clinical sign ificance because it does not alter an amino acid residue and is not located with in the splice consensus sequence. It has been 1/8106 European American chromosom es by the NHLBI Exome Sequencing Project. A sp355Asp in exon 10 of NEXN (allele frequency = 1/8106) **